The following is an entry in ClinVar:

NM_002291.3(LAMB1):c.2236G>A (p.Val746Ile)

Gene: LAMB1 (laminin subunit beta 1; minus strand). Cytogenetic location: 7q31.1.
Variant type: single nucleotide variant.
Coding change: c.2236G>A on transcript NM_002291.3 (MANE Select); coding-DNA position 2236, G replaced by A.
Protein change: p.Val746Ile; replaces valine 746 with isoleucine.
Molecular consequence: missense variant.
Genome position (GRCh38, 1-based): chr7:107,960,523, C>T on the plus strand (G>A on the coding strand, the complement: LAMB1 is on the minus strand). VCF-style: chr7-107960523-C-T. GRCh37 (hg19) VCF-style: chr7-107600968-C-T.
Other names: short protein forms V746I.
Identifiers: ClinVar variation 2421515 (VCV002421515.6), dbSNP rs200792105, ClinGen allele CA4435711.

ClinVar aggregate classification (germline): Uncertain significance (1 of 4 stars; one submission).

Allele frequency attached by ClinVar (database versions not stated): gnomAD exomes 0.00002; gnomAD 0.00006; ExAC 0.00007; ESP Exome Variant Server 0.00008; TOPMed 0.00009.
gnomAD v4.1: 46 of 1,614,074 alleles (0.0028%); highest among the groups gnomAD compares: East Asian, 0.067%; no homozygotes.

Submission:

Labcorp Genetics (formerly Invitae), Labcorp
Classification: Uncertain significance. Last evaluated: 2024-02-23. Review status: criteria provided, single submitter. Criteria: Invitae Variant Classification Sherloc (09022015). Collection method: clinical testing. Allele origin: germline.
Comment: This sequence change replaces valine, which is neutral and non-polar, with isoleucine, which is neutral and non-polar, at codon 746 of the LAMB1 protein (p.Val746Ile). This variant is present in population databases (rs200792105, gnomAD 0.1%). This variant has not been reported in the literature in individuals affected with LAMB1-related conditions. ClinVar contains an entry for this variant (Variation ID: 2421515). An algorithm developed to predict the effect of missense changes on protein structure and function (PolyPhen-2) suggests that this variant is likely to be tolerated. In summary, the available evidence is currently insufficient to determine the role of this variant in disease. Therefore, it has been classified as a Variant of Uncertain Significance.